The following is an entry in ClinVar:

NM_000540.3(RYR1):c.4435C>T (p.Gln1479Ter)

Gene: RYR1 (ryanodine receptor 1; plus strand). Cytogenetic location: 19q13.2.
Variant type: single nucleotide variant.
Coding change: c.4435C>T on transcript NM_000540.3 (MANE Select); coding-DNA position 4435, C replaced by T.
Protein change: p.Gln1479Ter; replaces glutamine 1479 with a stop codon.
Molecular consequence: nonsense.
Genome position (GRCh38, 1-based): chr19:38,477,851, C>T. VCF-style: chr19-38477851-C-T. GRCh37 (hg19) VCF-style: chr19-38968491-C-T.
Other names: c.4435C>T, p.Gln1479Ter (NM_001042723.2); short protein forms Q1479*.
Identifiers: ClinVar variation 988288 (VCV000988288.4), dbSNP rs1968813234, ClinGen allele CA405646306.

ClinVar aggregate classification (germline): Pathogenic/Likely pathogenic. Review status: criteria provided, multiple submitters, no conflicts (2 of 4 stars). 2 submissions from 2 submitters: Pathogenic (1); Likely pathogenic (1). Last evaluated 2024-07-24.

Conditions:
RYR1-related disorder. Also called: RYR1-related condition; RYR1-related disorders. Identifiers: MedGen CN239331.

Allele frequency attached by ClinVar (database versions not stated): TOPMed below 0.00001.

Submissions (2):

Labcorp Genetics (formerly Invitae), Labcorp
Classification: Pathogenic for RYR1-related disorder. Last evaluated: 2024-07-24. Review status: criteria provided, single submitter. Criteria: Invitae Variant Classification Sherloc (09022015). Collection method: clinical testing. Allele origin: germline.
Comment: This sequence change creates a premature translational stop signal (p.Gln1479*) in the RYR1 gene. It is expected to result in an absent or disrupted protein product. Loss-of-function variants in RYR1 are known to be pathogenic (PMID: 23919265, 25960145, 28818389, 30611313). This variant is not present in population databases (gnomAD no frequency). This variant has not been reported in the literature in individuals affected with RYR1-related conditions. ClinVar contains an entry for this variant (Variation ID: 988288). For these reasons, this variant has been classified as Pathogenic.

Clinical Genetics and Genomics, Karolinska University Hospital
Classification: Likely pathogenic. Last evaluated: 2015-09-17. Review status: criteria provided, single submitter. Criteria: ACMG Guidelines, 2015. Collection method: clinical testing. Allele origin: germline. Affected: yes. Observed: 1 variant allele.

Literature cited by the submitters: PubMed 23919265 (cited by Labcorp Genetics (formerly Invitae), Labcorp); PubMed 25960145 (cited by Labcorp Genetics (formerly Invitae), Labcorp); PubMed 28818389 (cited by Labcorp Genetics (formerly Invitae), Labcorp); PubMed 30611313 (cited by Labcorp Genetics (formerly Invitae), Labcorp).